The following is an entry in ClinVar:

NM_014712.3(SETD1A):c.1364_1365inv (p.Glu455Val)

Gene: SETD1A (SET domain containing 1A, histone lysine methyltransferase; plus strand). Cytogenetic location: 16p11.2.
Variant type: Inversion.
Coding change: c.1364_1365inv on transcript NM_014712.3 (MANE Select).
Protein change: p.Glu455Val; replaces glutamic acid 455 with valine.
Molecular consequence: missense variant.
Genome position: GRCh38 VCF-style: chr16-30965106-AA-TT. GRCh37 (hg19) VCF-style: chr16-30976427-AA-TT.
Other names: short protein forms E455V.
Identifiers: ClinVar variation 3372957 (VCV003372957.1).

ClinVar aggregate classification (germline): Uncertain significance (1 of 4 stars; one submission).

Submission:

GeneDx
Classification: Uncertain significance. Last evaluated: 2024-04-24. Review status: criteria provided, single submitter. Criteria: GeneDx Variant Classification Process June 2021. Collection method: clinical testing. Allele origin: germline. Affected: yes.
Comment: Not observed at significant frequency in large population cohorts (gnomAD); In silico analysis indicates that this variant does not alter protein structure/function; Has not been previously published as pathogenic or benign to our knowledge